The following is an entry in ClinVar:

NM_013254.4(TBK1):c.2078T>C (p.Leu693Ser)

Gene: TBK1 (TANK binding kinase 1; plus strand). Cytogenetic location: 12q14.2.
Variant type: single nucleotide variant.
Coding change: c.2078T>C on transcript NM_013254.4 (MANE Select); coding-DNA position 2078, T replaced by C.
Protein change: p.Leu693Ser; replaces leucine 693 with serine.
Molecular consequence: missense variant.
Genome position (GRCh38, 1-based): chr12:64,497,979, T>C. VCF-style: chr12-64497979-T-C. GRCh37 (hg19) VCF-style: chr12-64891759-T-C.
Other names: short protein forms L693S.
Identifiers: ClinVar variation 1391085 (VCV001391085.6), dbSNP rs2136089194, ClinGen allele CA385607432.

ClinVar aggregate classification (germline): Uncertain significance (1 of 4 stars; one submission).

Conditions:
Frontotemporal dementia and/or amyotrophic lateral sclerosis 4. Also called: FTDALS4. Identifiers: Orphanet 275872, MedGen C4225325, MONDO:0014641, OMIM 616439.

Submission:

Labcorp Genetics (formerly Invitae), Labcorp
Classification: Uncertain significance for Frontotemporal dementia and/or amyotrophic lateral sclerosis 4. Last evaluated: 2021-11-03. Review status: criteria provided, single submitter. Criteria: Invitae Variant Classification Sherloc (09022015). Collection method: clinical testing. Allele origin: germline.
Comment: In summary, the available evidence is currently insufficient to determine the role of this variant in disease. Therefore, it has been classified as a Variant of Uncertain Significance. Advanced modeling of protein sequence and biophysical properties (such as structural, functional, and spatial information, amino acid conservation, physicochemical variation, residue mobility, and thermodynamic stability) performed at Invitae indicates that this missense variant is not expected to disrupt TBK1 protein function. This variant has not been reported in the literature in individuals affected with TBK1-related conditions. This variant is not present in population databases (gnomAD no frequency). This sequence change replaces leucine, which is neutral and non-polar, with serine, which is neutral and polar, at codon 693 of the TBK1 protein (p.Leu693Ser).